The following is an entry in ClinVar:

NM_024675.4(PALB2):c.1972del (p.Glu658fs)

Gene: PALB2 (partner and localizer of BRCA2; minus strand). Cytogenetic location: 16p12.2.
Variant type: Deletion.
Coding change: c.1972del on transcript NM_024675.4 (MANE Select); coding-DNA position 1972, one base deleted (G; older notation c.1972delG).
Protein change: p.Glu658fs; shifts the reading frame from glutamic acid 658.
Molecular consequence: frameshift variant.
Genome position (GRCh38, 1-based): chr16:23,630,182, C deleted on the plus strand (G on the coding strand, the reverse complement: PALB2 is on the minus strand); the first of 2 consecutive C bases (chr16:23,630,182-23,630,183); deleting either gives the same sequence. VCF-style (leftmost placement, unchanged base first): chr16-23630181-TC-T. GRCh37 (hg19) VCF-style: chr16-23641502-TC-T.
Other names: c.1972delG (NM_024675.3); short protein forms E658fs.
Identifiers: ClinVar variation 482004 (VCV000482004.30), dbSNP rs1555460548, ClinGen allele CA658658412.

ClinVar aggregate classification (germline): Pathogenic. Review status: criteria provided, multiple submitters, no conflicts (2 of 4 stars). 4 submissions from 4 submitters: Pathogenic (3). 1 of the submissions does not count toward it. Last evaluated 2025-02-25.

Conditions:
Gastric cancer. Also called: Stomach cancer; Malignant tumor of stomach. Identifiers: MedGen C0024623, MeSH D013274, MONDO:0001056, OMIM 613659, HP:0012126.
Hereditary cancer-predisposing syndrome. Also called: Tumor predisposition; Hereditary neoplastic syndrome; Hereditary Cancer Syndrome; Neoplastic Syndromes, Hereditary. Identifiers: Orphanet 140162, MedGen C0027672, MeSH D009386, MONDO:0015356.
Familial cancer of breast. Also called: hereditary breast carcinoma; BREAST CANCER, FAMILIAL; Hereditary breast cancer. Identifiers: Orphanet 227535, MedGen C0346153, MONDO:0016419, OMIM 114480. Disease mechanism: loss of function.

Submissions (4):

Ambry Genetics
Classification: Pathogenic for Hereditary cancer-predisposing syndrome. Last evaluated: 2025-02-25. Review status: criteria provided, single submitter. Criteria: Ambry Variant Classification Scheme 2023. Collection method: clinical testing. Allele origin: germline.
Comment: The c.1972delG pathogenic mutation, located in coding exon 5 of the PALB2 gene, results from a deletion of one nucleotide at nucleotide position 1972, causing a translational frameshift with a predicted alternate stop codon (p.E658Nfs*2). This variant is considered to be rare based on population cohorts in the Genome Aggregation Database (gnomAD). This alteration is expected to result in loss of function by premature protein truncation or nonsense-mediated mRNA decay. As such, this alteration is interpreted as a disease-causing mutation.

Labcorp Genetics (formerly Invitae), Labcorp
Classification: Pathogenic for Familial cancer of breast. Last evaluated: 2024-10-02. Review status: criteria provided, single submitter. Criteria: Invitae Variant Classification Sherloc (09022015). Collection method: clinical testing. Allele origin: germline.
Comment: This sequence change creates a premature translational stop signal (p.Glu658Asnfs*2) in the PALB2 gene. It is expected to result in an absent or disrupted protein product. Loss-of-function variants in PALB2 are known to be pathogenic (PMID: 17200668, 17200671, 17200672, 24136930, 25099575). This variant is not present in population databases (gnomAD no frequency). This premature translational stop signal has been observed in individual(s) with breast cancer (PMID: 32427313). ClinVar contains an entry for this variant (Variation ID: 482004). For these reasons, this variant has been classified as Pathogenic.

Myriad Genetics, Inc.
Classification: Pathogenic for Familial cancer of breast. Last evaluated: 2023-09-12. Review status: criteria provided, single submitter. Criteria: Myriad Autosomal Dominant, Autosomal Recessive and X-Linked Classification Criteria (2023). Collection method: clinical testing. Allele origin: unknown.
Comment: This variant is considered pathogenic. This variant creates a frameshift predicted to result in premature protein truncation.

Laboratory for Genotyping Development, RIKEN
Classification: Pathogenic for Gastric cancer. Last evaluated: 2021-07-01. Review status: no assertion criteria provided. Collection method: research. Allele origin: germline. Not counted in ClinVar's aggregate classification.

Literature cited by the submitters: PubMed 17200668 (cited by Labcorp Genetics (formerly Invitae), Labcorp); PubMed 17200671 (cited by Labcorp Genetics (formerly Invitae), Labcorp); PubMed 17200672 (cited by Labcorp Genetics (formerly Invitae), Labcorp); PubMed 24136930 (cited by Labcorp Genetics (formerly Invitae), Labcorp); PubMed 25099575 (cited by Labcorp Genetics (formerly Invitae), Labcorp); PubMed 32427313 (cited by Labcorp Genetics (formerly Invitae), Labcorp); PubMed 36988593 (cited by Laboratory for Genotyping Development, RIKEN).